The following is an entry in ClinVar:

ClinVar aggregate classification (germline): Likely benign (1 of 4 stars; one submission).

Allele frequency attached by ClinVar (database versions not stated): TOPMed 0.00001; gnomAD exomes below 0.00001; ESP Exome Variant Server 0.00008.

Submission:

Laboratory for Molecular Medicine, Mass General Brigham Personalized Medicine
Classification: Likely benign. Last evaluated: 2012-04-30. Review status: criteria provided, single submitter. Criteria: LMM Criteria. Collection method: clinical testing. Allele origin: germline. Observed: 1 variant allele.
Comment: Val260Val in Exon 09 of OTOF: This variant is not expected to have clinical significance because it does not alter an amino acid residue, is not located within the splice consensus sequence, and has been identified in 1/3738 African American chromosomes from a broad population by the NHLBI Exome Sequencing Project (dbSNP rs151306930).

NM_194248.3(OTOF):c.780G>A (p.Val260=)

Gene: OTOF (otoferlin; minus strand). Cytogenetic location: 2p23.3.
Variant type: single nucleotide variant.
Coding change: c.780G>A on transcript NM_194248.3 (MANE Select); coding-DNA position 780, G replaced by A.
Protein change: p.Val260=; no amino-acid change (valine 260 retained).
Molecular consequence: synonymous variant.
Genome position (GRCh38, 1-based): chr2:26,495,059, C>T on the plus strand (G>A on the coding strand, the complement: OTOF is on the minus strand). VCF-style: chr2-26495059-C-T. GRCh37 (hg19) VCF-style: chr2-26717927-C-T.
Other names: c.780G>A, p.Val260= (NM_001287489.2).
Identifiers: ClinVar variation 930125 (VCV000930125.4), dbSNP rs151306930, ClinGen allele CA44411665.
Genomic context (GRCh38, chr2:26,495,059, plus strand): 5'-ACCCACCTCCACGCACACCACAGGGTCCATGTTCAAGCCCACCAGCTGCCGGGCCTCGAT[C>T]ACCGTGATGCTGACCTGCAGGCAGGAGAAGGGGGAGCCAGAAGGAAAGCTGCCTGAGCCT-3'
Protein context (NP_919224.1, residues 250-270): RPMDYQVSIT[Val260=]IEARQLVGLN